The following is an entry in ClinVar:

NM_001080467.3(MYO5B):c.95AAG[1] (p.Glu33del)

Gene: MYO5B (myosin VB; minus strand). Cytogenetic location: 18q21.1.
Variant type: Microsatellite.
Coding change: c.95AAG[1] on transcript NM_001080467.3 (MANE Select); one copy of the 3-base unit AAG starting at c.95; the reference has two copies in a row; one copy, 3 bases deleted.
Protein change: p.Glu33del; deletes glutamic acid 33.
Molecular consequence: inframe deletion.
Genome position (GRCh38, 1-based): chr18:50,055,306-50,055,308, CTT deleted on the plus strand (AAG on the coding strand, the reverse complement: MYO5B is on the minus strand); deleting any 3 consecutive bases within chr18:50,055,306-50,055,311 gives the same sequence; the position shown is the placement nearest the transcript's 3' end. VCF-style (leftmost placement, unchanged base first): chr18-50055305-CCTT-C. GRCh37 (hg19) VCF-style: chr18-47581675-CCTT-C.
Other names: short protein forms E33del.
Identifiers: ClinVar variation 5000181 (VCV005000181.1).

ClinVar aggregate classification (germline): Uncertain significance (1 of 4 stars; one submission).

Conditions:
MYO5B-related disorder. Also called: MYO5B-related condition.

Submission:

PreventionGenetics, part of Exact Sciences
Classification: Uncertain significance for MYO5B-related condition. Last evaluated: 2026-06-09. Review status: criteria provided, single submitter. Criteria: ACMG Guidelines, 2015. Collection method: clinical testing. Allele origin: germline.
Comment: The MYO5B c.98_100delAAG variant is predicted to result in an in-frame deletion (p.Glu33del). To our knowledge, this variant has not been reported in the literature. This variant is reported in 0.0053% of alleles in individuals of European (Non-Finnish) descent in gnomAD. At this time, the clinical significance of this variant is uncertain due to the absence of conclusive functional and genetic evidence.